The following is an entry in ClinVar:

ClinVar aggregate classification (germline): Pathogenic (1 of 4 stars; one submission).

Conditions:
Hereditary factor VIII deficiency disease (HEMA). Also called: HEMOPHILIA, CLASSIC; AUTOSOMAL HEMOPHILIA A; Hemophilia A; Hemophilia A, congenital; HEM A; Factor 8 deficiency, congenital. Identifiers: Orphanet 98878, MedGen C0019069, MONDO:0010602, OMIM 306700.

Submission:

Clinical Genetics Laboratory, Skane University Hospital Lund
Classification: Pathogenic for Hereditary factor VIII deficiency disease. Last evaluated: 2026-07-08. Review status: criteria provided, single submitter. Criteria: ACMG Guidelines, 2015. Collection method: clinical testing. Allele origin: germline. Inheritance: X-linked inheritance. Affected: yes.
Comment: F8 (NM_000132.4):c.4238del, p.(Ser1413Tyrfs*11) represents a deletion of one base pair in exon 14 of 26 which leads to a frameshift, a premature stop codon and thereby a truncated protein or loss of protein expression from the gene. F8 c.4238del has not been detected in men in the normal population (gnomAD v.4.1.1) and is not previously reported in ClinVar but has been previously found in a patient with severe haemophilia A and reported in the EAHAD database. The variant has been classified as pathogenic using gene-specific criteria (ClinGen Coagulation Factor Deficiency Expert Panel Specifications to the ACMG/AMP Variant Interpretation Guidelines for F8 Version 2.0.0): PVS1, PS4_Moderate, PM2_Supporting.

NM_000132.4(F8):c.4238del (p.Ser1413fs)

Gene: F8 (coagulation factor VIII; minus strand). Cytogenetic location: Xq28.
Variant type: Deletion.
Coding change: c.4238del on transcript NM_000132.4 (MANE Select); coding-DNA position 4238, one base deleted (C; older notation c.4238delC).
Protein change: p.Ser1413fs; shifts the reading frame from serine 1413.
Molecular consequence: frameshift variant.
Genome position (GRCh38, 1-based): chrX:154,929,552, G deleted on the plus strand (C on the coding strand, the reverse complement: F8 is on the minus strand). VCF-style (leftmost placement, unchanged base first): chrX-154929551-TG-T. GRCh37 (hg19) VCF-style: chrX-154157826-TG-T.
Other names: short protein forms S1413fs.
Identifiers: ClinVar variation 4857629 (VCV004857629.1).